The following is an entry in ClinVar:

NM_000548.5(TSC2):c.975+1G>A

Gene: TSC2 (TSC complex subunit 2; plus strand). Cytogenetic location: 16p13.3.
Variant type: single nucleotide variant.
Coding change: c.975+1G>A on transcript NM_000548.5 (MANE Select); the canonical splice donor site of the intron after coding-DNA position 975, G replaced by A.
Molecular consequence: splice donor variant.
Genome position (GRCh38, 1-based): chr16:2,058,874, G>A. VCF-style: chr16-2058874-G-A. GRCh37 (hg19) VCF-style: chr16-2108875-G-A.
Other names: c.-457+1G>A (NM_001406693.1, NM_001406689.1, NM_001406690.1 and 4 more transcripts); c.1065+1G>A (NM_001406667.1, NM_001406668.1); c.375+1G>A (NM_001406680.1, NM_001406683.1, NM_001406687.1 and 6 more transcripts); c.-633+1G>A (NM_001406698.1); c.975+1G>A (NM_001114382.3, NM_001406663.1, NM_001406664.1 and 6 more transcripts); c.-338+1G>A (NM_001406694.1, NM_001406695.1); c.963+1G>A (NM_001406671.1, NM_001406673.1); c.513+1G>A (NM_001406681.1); and 4 more.
Identifiers: ClinVar variation 49948 (VCV000049948.6), dbSNP rs137854200, ClinGen allele CA023203.

ClinVar aggregate classification (germline): Pathogenic/Likely pathogenic. Review status: criteria provided, multiple submitters, no conflicts (2 of 4 stars). 3 submissions from 3 submitters: Pathogenic (1); Likely pathogenic (1). 1 of the submissions does not count toward it. Last evaluated 2023-11-28.

Conditions:
Tuberous sclerosis 2 (TSC2). Identifiers: Orphanet 805, MedGen C1860707, MONDO:0013199, OMIM 613254.
Tuberous sclerosis syndrome (TSC). Also called: Tuberous Sclerosis Complex; Tuberous sclerosis. Identifiers: Orphanet 805, MedGen C0041341, MONDO:0001734.

Submissions (3):

Labcorp Genetics (formerly Invitae), Labcorp
Classification: Pathogenic for Tuberous sclerosis 2. Last evaluated: 2023-11-28. Review status: criteria provided, single submitter. Criteria: Invitae Variant Classification Sherloc (09022015). Collection method: clinical testing. Allele origin: germline.
Comment: This sequence change affects a donor splice site in intron 10 of the TSC2 gene. It is expected to disrupt RNA splicing. Variants that disrupt the donor or acceptor splice site typically lead to a loss of protein function (PMID: 16199547), and loss-of-function variants in TSC2 are known to be pathogenic (PMID: 10205261, 17304050). This variant is not present in population databases (gnomAD no frequency). Disruption of this splice site has been observed in individuals with clinical features of tuberous sclerosis complex (PMID: 23254740, 28968464; Invitae). ClinVar contains an entry for this variant (Variation ID: 49948). Algorithms developed to predict the effect of sequence changes on RNA splicing suggest that this variant may disrupt the consensus splice site. For these reasons, this variant has been classified as Pathogenic.

Institute of Human Genetics, University of Leipzig Medical Center
Classification: Likely pathogenic for Tuberous sclerosis 2. Last evaluated: 2023-01-03. Review status: criteria provided, single submitter. Criteria: ACMG Guidelines, 2015. Collection method: clinical testing. Allele origin: unknown. Affected: yes.
Comment: _x000D_ Criteria applied: PVS1_STR, PS4_MOD, PM2_SUP

Tuberous sclerosis database (TSC2)
No classification provided. Condition: TSC. Review status: no classification provided. Criteria: Tuberous Sclerosis Database Assertion Criteria 2015. Collection method: curation. Allele origin: germline. Affected: yes. Not counted in ClinVar's aggregate classification.

Literature cited by the submitters: PubMed 16199547 (cited by Labcorp Genetics (formerly Invitae), Labcorp); PubMed 10205261 (cited by Labcorp Genetics (formerly Invitae), Labcorp); PubMed 17304050 (cited by Labcorp Genetics (formerly Invitae), Labcorp); PubMed 23254740 (cited by Labcorp Genetics (formerly Invitae), Labcorp); PubMed 28968464 (cited by Labcorp Genetics (formerly Invitae), Labcorp).